The following is an entry in ClinVar:

ClinVar aggregate classification (germline): Uncertain significance. Review status: criteria provided, multiple submitters, no conflicts (2 of 4 stars). 2 submissions from 2 submitters: Uncertain significance (2). Last evaluated 2022-11-04.

Conditions:
Combined oxidative phosphorylation defect type 27. Also called: Combined oxidative phosphorylation deficiency 27. Identifiers: Orphanet 477774, MedGen C5567608, MONDO:0014728, OMIM 616672.

Submissions (2):

GeneDx
Classification: Uncertain significance. Last evaluated: 2022-11-04. Review status: criteria provided, single submitter. Criteria: GeneDx Variant Classification Process June 2021. Collection method: clinical testing. Allele origin: germline. Affected: yes.
Comment: Not observed at significant frequency in large population cohorts (gnomAD); Has not been previously published as pathogenic or benign to our knowledge; In silico analysis is inconclusive as to whether the variant alters gene splicing. In the absence of RNA/functional studies, the actual effect of this sequence change is unknown.

Labcorp Genetics (formerly Invitae), Labcorp
Classification: Uncertain significance for Combined oxidative phosphorylation defect type 27. Last evaluated: 2022-09-27. Review status: criteria provided, single submitter. Criteria: Invitae Variant Classification Sherloc (09022015). Collection method: clinical testing. Allele origin: germline.
Comment: In summary, the available evidence is currently insufficient to determine the role of this variant in disease. Therefore, it has been classified as a Variant of Uncertain Significance. Variants that disrupt the consensus splice site are a relatively common cause of aberrant splicing (PMID: 17576681, 9536098). Algorithms developed to predict the effect of sequence changes on RNA splicing suggest that this variant may disrupt the consensus splice site. ClinVar contains an entry for this variant (Variation ID: 1367163). This variant has not been reported in the literature in individuals affected with CARS2-related conditions. This variant is not present in population databases (gnomAD no frequency). This sequence change falls in intron 3 of the CARS2 gene. It does not directly change the encoded amino acid sequence of the CARS2 protein. It affects a nucleotide within the consensus splice site.

Literature cited by the submitters: PubMed 17576681 (cited by Labcorp Genetics (formerly Invitae), Labcorp); PubMed 9536098 (cited by Labcorp Genetics (formerly Invitae), Labcorp).

NM_024537.4(CARS2):c.393+5G>A

Gene: CARS2 (cysteinyl-tRNA synthetase 2, mitochondrial; minus strand). Cytogenetic location: 13q34.
Variant type: single nucleotide variant.
Coding change: c.393+5G>A on transcript NM_024537.4 (MANE Select); 5 bases into the intron after coding-DNA position 393, G replaced by A.
Molecular consequence: intron variant.
Genome position (GRCh38, 1-based): chr13:110,701,433, C>T on the plus strand (G>A on the coding strand, the complement: CARS2 is on the minus strand). VCF-style: chr13-110701433-C-T. GRCh37 (hg19) VCF-style: chr13-111353780-C-T.
Other names: c.-607+5G>A (NM_001352252.2); c.393+5G>A (NM_001352253.3).
Identifiers: ClinVar variation 1367163 (VCV001367163.6), dbSNP rs2139928226, ClinGen allele CA2573149466.